The following is an entry in ClinVar:

ClinVar aggregate classification (germline): Pathogenic. Review status: reviewed by expert panel (3 of 4 stars). 8 submissions from 8 submitters: Pathogenic (1). 7 of the submissions do not count toward it. Last evaluated 2021-10-26.

Conditions:
Mitochondrial complex I deficiency, mitochondrial type 1. Also called: Mitochondrial complex 1 deficiency, mitochondrial type 1. Identifiers: MedGen C4746992, MONDO:0027068, OMIM 500014.
Primary Mitochondrial Disorders. Identifiers: MedGen CN381104.
Mitochondrial disease. Also called: Mitochondrial disorder; Mitochondrial disorders. Identifiers: Orphanet 68380, MedGen C0751651, MeSH D028361, MONDO:0044970.
Leigh syndrome (NULS). Also called: Leigh's syndrome; Subacute necrotizing encephalopathy; Necrotizing encephalopathy infantile subacute of Leigh; Leigh's necrotizing encephalopathy; Leigh's disease; LEIGH SYNDROME, NUCLEAR. Identifiers: Orphanet 506, MedGen C2931891, MONDO:0009723, OMIM 256000.

Submissions (8):

ClinGen Mitochondrial Disease Nuclear and Mitochondrial  Variant Curation Expert Panel, ClinGen
Classification: Pathogenic for Mitochondrial disease. Last evaluated: 2021-10-26. Review status: reviewed by expert panel. Criteria: clingen mito disease acmg specifications v1-1. Collection method: curation. Allele origin: germline. Inheritance: Mitochondrial inheritance.
Comment: The m.10158T>C (p.S34P) variant in MT-ND3 was reviewed by the Mitochondrial Disease Nuclear and Mitochondrial Variant Curation Expert Panel as part of the variant pilot for mitochondrial DNA variant specifications (McCormick et al., 2020; PMID: 32906214). This variant has been reported in >16 individuals with primary mitochondrial disease with onset ranging from the first year of life to adulthood and who had features variably consistent with Leigh syndrome, MELAS and MELAS-like, and/or lactic acidosis (PS4; PMID: 14705112; PMID: 14684687; PMID: 27348141; PMID: 28050007; PMID: 27742419; PMID: 28916229; PMID: 14764913; PMID: 22115768; PMID: 15576045; PMID: 30128709; PMID: 29237403; PMID: 31178082; DOI 10.1111/ncn3.17). This variant has been identified as a de novo occurrence in at least seven probands with primary mitochondrial disease (PM6_strong; PMID: 28916229; PMID: 14764913; PMID: 14705112; PMID: 14684687; PMID: 31178082). This variant segregated with disease in multiple members in at least two families (PP1; PMID: 27742419; PMID: 14705112) and one healthy mother was found to have the variant at low heteroplasmy level (PMID: 14705112). This variant is absent from Mitomap's GenBank sequences and gnomAD v3.1.2 (PM2_Supporting). The computational predictor APOGEE gives a consensus rating of pathogenic with a score of 0.95 (Min=0, Max=1), which predicts a damaging effect on gene function (PP3). Cybrid studies showed tight correlation between variant heteroplasmy level and complex I activity (PS3_supporting; PMID: 14705112). In summary, this variant meets criteria to be classified as pathogenic for primary mitochondrial disease inherited in a mitochondrial manner. This classification was approved by the NICHD U24 Mitochondrial Disease Variant Curation Expert Panel as of August 20, 2020. Mitochondrial DNA-specific ACMG/AMP criteria applied: PS3_supporting, PS4, PM2_supporting, PM6_strong, PP1, PP3).

Variantyx, Inc.
Classification: Likely pathogenic for primary mitochondrial disorders. Last evaluated: 2025-12-19. Review status: criteria provided, single submitter. Criteria: Variantyx Assertion Criteria 2022. Collection method: clinical testing. Allele origin: de novo. Inheritance: Mitochondrial inheritance. Not counted in ClinVar's aggregate classification.
Comment: This variant has been reported in many individuals with phenotypes conforming to well-established mitochondrial disorders, such as Leigh syndrome, MELAS and MELAS-like, and/or lactic acidosis, with an age of onset ranging from infancy to adulthood (PMID:14705112, 14684687, 27348141, 28050007, 27742419, 28916229, 14764913, 22115768, 15576045, 30128709, 29237403, 31178082). It is absent from control populations. Other reputable laboratories have reported this variant as pathogenic or likely pathogenic, and this classification has been validated by an expert panel in ClinVar. Based on the current evidence, this variant is classified as pathogenic.

3billion
Classification: Pathogenic for Mitochondrial complex I deficiency, mitochondrial type 1. Last evaluated: 2025-12-16. Review status: criteria provided, single submitter. Criteria: ACMG Guidelines, 2015. Collection method: clinical testing. Allele origin: germline. Affected: yes. Not counted in ClinVar's aggregate classification.
Comment: The variant is not observed in the gnomAD v4.1.0 dataset. Predicted Consequence/Location: Mitochondrial variant Functional studies provide supporting evidence of the variant having a damaging effect on the gene or gene product (PMID: 14705112). In silico tool predictions suggest damaging effect of the variant on gene or gene product [APOGEE2: 0.84 (>= 0.716)]. The same nucleotide change resulting in the same amino acid change has been previously reported as pathogenic/likely pathogenic with strong evidence (3billion dataset/ClinVar ID: VCV000009714). The variant has been observed in multiple (>3) similarly affected unrelated individuals (PMID: 14684687, 14705112, 14764913, 15576045, 22115768, 27348141, 27742419, 28050007, 28916229, 29237403, 30128709, 31178082). The variant has been previously reported as assumed (i.e. paternity and maternity not confirmed) de novo in at least two similarly affected unrelated individuals (PMID: 14684687, 14705112, 14764913, 28916229, 31178082). Therefore, this variant is classified as Pathogenic according to the recommendation of ACMG/AMP guideline.

Wong Mito Lab, Molecular and Human Genetics, Baylor College of Medicine
Classification: Pathogenic for Leigh syndrome. Last evaluated: 2019-10-17. Review status: criteria provided, single submitter. Criteria: Modified ACMG Guidelines (Unpublished). Collection method: clinical testing. Allele origin: germline. Not counted in ClinVar's aggregate classification.
Comment: The NC_012920.1:m.10158T>C (YP_003024033.1:p.Ser34Pro) variant in MTND3 gene is interpretated to be a Pathogenic variant based on the modified ACMG guidelines (unpublished). This variant meets the following evidence codes: PS1, PM8, PM9, PM10

ARUP Laboratories, Molecular Genetics and Genomics, ARUP Laboratories
Classification: Pathogenic. Last evaluated: 2017-06-16. Review status: criteria provided, single submitter. Criteria: ARUP Molecular Germline Variant Investigation Process. Collection method: clinical testing. Allele origin: germline. Not counted in ClinVar's aggregate classification.
Comment: The m.10158T>C variant (rs199476117) affects the MT-ND3 gene involved in mitochondrial complex I (CI) function, and has been identified in several patients with symptoms of Leigh disease (LD; see link to GeneReviews below). For example, this variant was identified as a presumed de novo variant in the three independent families affected with LD as assessed by McFarland et al (2004). Cells isolated from patients harboring this variant had reduced levels of fully assembled complex I, and cybrid cell lines generated with the m.10158T>C variant had a reduction in complex I activity concomitant with the degree of heteroplasmy in individual established lines (McFarland 2004). Additional LD patients carrying this variant have also been described (Bugiani 2004 and Valente2009), whereas m.10158T>C is absent from the general population (MITOMAP). Therefore, the m.10158T>C variant satisfies our criteria for classification as pathogenic.

Center for Pediatric Genomic Medicine, Children's Mercy Hospital and Clinics
Classification: Pathogenic. Last evaluated: 2014-08-26. Review status: criteria provided, single submitter. Criteria: ACMG Guidelines, 2015. Collection method: clinical testing. Allele origin: germline. Not counted in ClinVar's aggregate classification.

OMIM
Classification: Pathogenic for MITOCHONDRIAL COMPLEX I DEFICIENCY, MITOCHONDRIAL TYPE 1. Last evaluated: 2004-09-01. Review status: no assertion criteria provided. Collection method: literature only. Allele origin: germline. Not counted in ClinVar's aggregate classification.

GeneReviews
No classification provided. Condition: Leigh syndrome. Review status: no classification provided. Collection method: literature only. Allele origin: germline. Not counted in ClinVar's aggregate classification.

Literature cited by the submitters: PubMed 14705112 (cited by 3 submitters); PubMed 27290639 (cited by Variantyx, Inc.); PubMed 26238931 (cited by Variantyx, Inc.); PubMed 36913248 (cited by Variantyx, Inc.); PubMed 27348141 (cited by 3billion); PubMed 28916229 (cited by 3billion); PubMed 15576045 (cited by 3billion); PubMed 29237403 (cited by 3billion); PubMed 30128709 (cited by 3billion); PubMed 14684687 (cited by 3billion and Wong Mito Lab, Molecular and Human Genetics, Baylor College of Medicine); PubMed 28050007 (cited by 3billion); PubMed 31178082 (cited by 3billion); PubMed 14764913 (cited by 3billion and Wong Mito Lab, Molecular and Human Genetics, Baylor College of Medicine); PubMed 22115768 (cited by 3billion); PubMed 27742419 (cited by 3billion); PubMed 15372108 (cited by OMIM); NCBI Bookshelf NBK1173 (cited by GeneReviews).

NC_012920.1(MT-ND3):m.10158T>C

Gene: MT-ND3 (mitochondrially encoded NADH dehydrogenase 3; plus strand).
Variant type: single nucleotide variant.
Genome position: chrM-10158-T-C.
Other names: 10158T-C.
Identifiers: ClinVar variation 9714 (VCV000009714.17), dbSNP rs199476117, ClinGen allele CA120639.